The following is an entry in ClinVar:

ClinVar aggregate classification (germline): Uncertain significance. Review status: criteria provided, multiple submitters, no conflicts (2 of 4 stars). 2 submissions from 2 submitters: Uncertain significance (2). Last evaluated 2025-05-21.

Conditions:
Inborn genetic diseases. Identifiers: MedGen C0950123, MeSH D030342.

Allele frequency attached by ClinVar (database versions not stated): ExAC 0.00001; gnomAD exomes 0.00001; gnomAD 0.00003; TOPMed 0.00003.

Submissions (2):

Ambry Genetics
Classification: Uncertain significance for Inborn genetic diseases. Last evaluated: 2025-05-21. Review status: criteria provided, single submitter. Criteria: Ambry Variant Classification Scheme 2023. Collection method: clinical testing. Allele origin: germline.

Labcorp Genetics (formerly Invitae), Labcorp
Classification: Uncertain significance. Last evaluated: 2023-09-22. Review status: criteria provided, single submitter. Criteria: Invitae Variant Classification Sherloc (09022015). Collection method: clinical testing. Allele origin: germline.
Comment: This variant has not been reported in the literature in individuals affected with LBR-related conditions. Advanced modeling of protein sequence and biophysical properties (such as structural, functional, and spatial information, amino acid conservation, physicochemical variation, residue mobility, and thermodynamic stability) performed at Invitae indicates that this missense variant is not expected to disrupt LBR protein function. In summary, the available evidence is currently insufficient to determine the role of this variant in disease. Therefore, it has been classified as a Variant of Uncertain Significance. This variant is present in population databases (rs771949470, gnomAD 0.01%). This sequence change replaces threonine, which is neutral and polar, with alanine, which is neutral and non-polar, at codon 530 of the LBR protein (p.Thr530Ala).

NM_002296.4(LBR):c.1588A>G (p.Thr530Ala)

Gene: LBR (lamin B receptor; minus strand). Cytogenetic location: 1q42.12.
Variant type: single nucleotide variant.
Coding change: c.1588A>G on transcript NM_002296.4 (MANE Select); coding-DNA position 1588, A replaced by G.
Protein change: p.Thr530Ala; replaces threonine 530 with alanine.
Molecular consequence: missense variant.
Genome position (GRCh38, 1-based): chr1:225,404,503, T>C on the plus strand (A>G on the coding strand, the complement: LBR is on the minus strand). VCF-style: chr1-225404503-T-C. GRCh37 (hg19) VCF-style: chr1-225592205-T-C.
Other names: c.1588A>G (NM_002296.3); c.1588A>G, p.Thr530Ala (NM_194442.3); short protein forms T530A.
Identifiers: ClinVar variation 3005424 (VCV003005424.4), dbSNP rs771949470, ClinGen allele CA1417082.
Genomic context (GRCh38, chr1:225,404,503, plus strand): 5'-CCAAGTAATTGGGGTGGCGAACAAAGCCCCACCATCCAGAAACTAGAAGATTTTTTCCCG[T>C]TGAAGTATGAATGGTTTTTAAATCTATATAAAAATAAAAGTACATTTTTAATGATGTCGA-3'
Protein context (NP_002287.2, residues 520-540): LAHLKTIHTS[Thr530Ala]GKNLLVSGWW